The following is an entry in ClinVar:

NM_006648.4(WNK2):c.5997C>A (p.Asp1999Glu)

Gene: WNK2 (WNK lysine deficient protein kinase 2; plus strand). Cytogenetic location: 9q22.31.
Variant type: single nucleotide variant.
Coding change: c.5997C>A on transcript NM_006648.4 (MANE Select); coding-DNA position 5997, C replaced by A.
Protein change: p.Asp1999Glu; replaces aspartic acid 1999 with glutamic acid.
Molecular consequence: missense variant.
Genome position (GRCh38, 1-based): chr9:93,299,143, C>A. VCF-style: chr9-93299143-C-A. GRCh37 (hg19) VCF-style: chr9-96061425-C-A.
Other names: c.6108C>A, p.Asp2036Glu (NM_001282394.3); short protein forms D1999E, D2036E.
Identifiers: ClinVar variation 3816784 (VCV003816784.1).
Genomic context (GRCh38, chr9:93,299,143, plus strand): 5'-CTCCAGCAGAGGCCCTCCCGCTAAGGACCCTGCCCAAGCCAGTGTGGGGCTCACTGCAGA[C>A]AGCACGGGCCTGAGCGGGAAGGCAGTGCAGACCCAGCAGCCCTGCTCCGTCCGGGCCTCC-3'
Protein context (NP_006639.3, residues 1989-2009): PAQASVGLTA[Asp1999Glu]STGLSGKAVQ

ClinVar aggregate classification (germline): Uncertain significance (1 of 4 stars; one submission).

gnomAD v4.1: 19 of 1,611,952 alleles (0.0012%); highest among the groups gnomAD compares: East Asian, 0.038%; no homozygotes.

Submission:

Ambry Genetics
Classification: Uncertain significance. Last evaluated: 2025-01-08. Review status: criteria provided, single submitter. Criteria: Ambry Variant Classification Scheme 2023. Collection method: clinical testing. Allele origin: germline.
Comment: The p.D1999E variant (also known as c.5997C>A), located in coding exon 24 of the WNK2 gene, results from a C to A substitution at nucleotide position 5997. The aspartic acid at codon 1999 is replaced by glutamic acid, an amino acid with highly similar properties. This amino acid position is conserved. In addition, this alteration is predicted to be tolerated by in silico analysis. Based on the available evidence, the clinical significance of this variant remains unclear.